The following is an entry in ClinVar:

NM_021999.5(ITM2B):c.253G>A (p.Asp85Asn)

Gene: ITM2B (integral membrane protein 2B; plus strand). Cytogenetic location: 13q14.2.
Variant type: single nucleotide variant.
Coding change: c.253G>A on transcript NM_021999.5 (MANE Select); coding-DNA position 253, G replaced by A.
Protein change: p.Asp85Asn; replaces aspartic acid 85 with asparagine.
Molecular consequence: missense variant.
Genome position (GRCh38, 1-based): chr13:48,256,183, G>A. VCF-style: chr13-48256183-G-A. GRCh37 (hg19) VCF-style: chr13-48830319-G-A.
Other names: c.253G>A (NM_021999.4); short protein forms D85N.
Identifiers: ClinVar variation 1349578 (VCV001349578.8), dbSNP rs143931252, ClinGen allele CA6978744.

ClinVar aggregate classification (germline): Uncertain significance. Review status: criteria provided, multiple submitters, no conflicts (2 of 4 stars). 3 submissions from 3 submitters: Uncertain significance (3). Last evaluated 2026-02-09.

Conditions:
ITM2B-related disorder. Also called: ITM2B-related condition.
Inborn genetic diseases. Identifiers: MedGen C0950123, MeSH D030342.

Allele frequency attached by ClinVar (database versions not stated): gnomAD exomes 0.00014; ExAC 0.00018; gnomAD 0.00023; TOPMed 0.00024; ESP Exome Variant Server 0.00031.

Submissions (3):

PreventionGenetics, part of Exact Sciences
Classification: Uncertain significance for ITM2B-related condition. Last evaluated: 2026-02-09. Review status: criteria provided, single submitter. Criteria: ACMG Guidelines, 2015. Collection method: clinical testing. Allele origin: germline.
Comment: The ITM2B c.253G>A variant is predicted to result in the amino acid substitution p.Asp85Asn. To our knowledge, this variant has not been reported in the literature. This variant is reported in 0.028% of alleles in individuals of European (Non-Finnish) descent in gnomAD. At this time, the clinical significance of this variant is uncertain due to the absence of conclusive functional and genetic evidence.

Labcorp Genetics (formerly Invitae), Labcorp
Classification: Uncertain significance. Last evaluated: 2025-11-15. Review status: criteria provided, single submitter. Criteria: Invitae Variant Classification Sherloc (09022015). Collection method: clinical testing. Allele origin: germline.
Comment: This sequence change replaces aspartic acid, which is acidic and polar, with asparagine, which is neutral and polar, at codon 85 of the ITM2B protein (p.Asp85Asn). This variant is present in population databases (rs143931252, gnomAD 0.02%). This variant has not been reported in the literature in individuals affected with ITM2B-related conditions. ClinVar contains an entry for this variant (Variation ID: 1349578). Invitae Evidence Modeling of protein sequence and biophysical properties (such as structural, functional, and spatial information, amino acid conservation, physicochemical variation, residue mobility, and thermodynamic stability) indicates that this missense variant is not expected to disrupt ITM2B protein function with a negative predictive value of 80%. In summary, the available evidence is currently insufficient to determine the role of this variant in disease. Therefore, it has been classified as a Variant of Uncertain Significance.

Ambry Genetics
Classification: Uncertain significance for Inborn genetic diseases. Last evaluated: 2021-10-06. Review status: criteria provided, single submitter. Criteria: Ambry Variant Classification Scheme 2023. Collection method: clinical testing. Allele origin: germline.